The following is an entry in ClinVar:

ClinVar aggregate classification (germline): Conflicting classifications of pathogenicity. Review status: criteria provided, conflicting classifications (1 of 4 stars). 4 submissions from 4 submitters: Uncertain significance (2); Likely benign (2). Last evaluated 2025-03-14.

Conditions:
Cardiovascular phenotype. Identifiers: MedGen CN230736.
Familial hypobetalipoproteinemia 1. Also called: APOB-Related Familial Hypobetalipoproteinemia; Hypobetalipoproteinemia, normotriglyceridemic; Acanthocytosis with hypobetalipoproteinemia. Identifiers: MedGen C4551990, MONDO:0014252, OMIM 615558.
Hypercholesterolemia, autosomal dominant, type B (FHCL2). Also called: Familial Hypercholesterolemia Type B; APOLIPOPROTEIN B-100, FAMILIAL DEFECTIVE; APOLIPOPROTEIN B-100, FAMILIAL LIGAND-DEFECTIVE; HYPERCHOLESTEROLEMIA, FAMILIAL, DUE TO LIGAND-DEFECTIVE APOLIPOPROTEIN B; Familial hypercholesterolemia 2; Hyperlipoproteinemia Type IIb. Identifiers: MedGen C1704417, MONDO:0007751, OMIM 144010.

Allele frequency attached by ClinVar (database versions not stated): gnomAD below 0.00001 and 0.00001.
gnomAD v4.1: 20 of 1,613,964 alleles (0.0012%); highest among the groups gnomAD compares: South Asian, 0.019%; no homozygotes.

Submissions (4):

GeneDx
Classification: Uncertain significance. Last evaluated: 2025-03-14. Review status: criteria provided, single submitter. Criteria: GeneDx Variant Classification Process June 2021. Collection method: clinical testing. Allele origin: germline. Affected: yes.
Comment: Not observed at significant frequency in large population cohorts (gnomAD); In silico analysis supports that this missense variant has a deleterious effect on protein structure/function; Has not been previously published as pathogenic or benign to our knowledge

Labcorp Genetics (formerly Invitae), Labcorp
Classification: Likely benign for Familial hypobetalipoproteinemia 1; Hypercholesterolemia, autosomal dominant, type B. Last evaluated: 2024-06-12. Review status: criteria provided, single submitter. Criteria: Invitae Variant Classification Sherloc (09022015). Collection method: clinical testing. Allele origin: germline.

Ambry Genetics
Classification: Likely benign for Cardiovascular phenotype. Last evaluated: 2024-01-02. Review status: criteria provided, single submitter. Criteria: Ambry Variant Classification Scheme 2023. Collection method: clinical testing. Allele origin: germline.

Mayo Clinic Laboratories, Mayo Clinic
Classification: Uncertain significance. Last evaluated: 2022-04-19. Review status: criteria provided, single submitter. Criteria: ACMG Guidelines, 2015. Collection method: clinical testing. Allele origin: germline. Observed: 1 variant allele.
Comment: BP4

NM_000384.3(APOB):c.5954C>T (p.Thr1985Ile)

Gene: APOB (apolipoprotein B; minus strand). Cytogenetic location: 2p24.1.
Variant type: single nucleotide variant.
Coding change: c.5954C>T on transcript NM_000384.3 (MANE Select); coding-DNA position 5954, C replaced by T.
Protein change: p.Thr1985Ile; replaces threonine 1985 with isoleucine.
Molecular consequence: missense variant.
Genome position (GRCh38, 1-based): chr2:21,010,914, G>A on the plus strand (C>T on the coding strand, the complement: APOB is on the minus strand). VCF-style: chr2-21010914-G-A. GRCh37 (hg19) VCF-style: chr2-21233786-G-A.
Other names: p.Thr1985Ile; short protein forms T1985I.
Identifiers: ClinVar variation 2682734 (VCV002682734.5), dbSNP rs778618250, ClinGen allele CA062659.